The following is an entry in ClinVar:

NM_006421.5(ARFGEF1):c.3616G>T (p.Val1206Leu)

Gene: ARFGEF1 (ARF guanine nucleotide exchange factor 1; minus strand). Cytogenetic location: 8q13.2.
Variant type: single nucleotide variant.
Coding change: c.3616G>T on transcript NM_006421.5 (MANE Select); coding-DNA position 3616, G replaced by T.
Protein change: p.Val1206Leu; replaces valine 1206 with leucine.
Molecular consequence: missense variant. On other transcripts: non-coding transcript variant (1).
Genome position (GRCh38, 1-based): chr8:67,227,574, C>A on the plus strand (G>T on the coding strand, the complement: ARFGEF1 is on the minus strand). VCF-style: chr8-67227574-C-A. GRCh37 (hg19) VCF-style: chr8-68139809-C-A.
Other names: c.3616G>T, p.Val1206Leu (NM_001413184.1, NM_001413185.1, NM_001413186.1 and 6 more transcripts); c.3016G>T, p.Val1006Leu (NM_001413188.1, NM_001413193.1, NM_001413197.1); c.3610G>T, p.Val1204Leu (NM_001413190.1); c.2191G>T, p.Val731Leu (NM_001413196.1); short protein forms V1006L, V1204L, V1206L, V731L.
Identifiers: ClinVar variation 3899813 (VCV003899813.1).

ClinVar aggregate classification (germline): Uncertain significance (1 of 4 stars; one submission).

Submission:

GeneDx
Classification: Uncertain significance. Last evaluated: 2024-11-15. Review status: criteria provided, single submitter. Criteria: GeneDx Variant Classification Process June 2021. Collection method: clinical testing. Allele origin: germline. Affected: yes.
Comment: Not observed at significant frequency in large population cohorts (gnomAD); In silico analysis indicates that this missense variant does not alter protein structure/function; Has not been previously published as pathogenic or benign to our knowledge.